The following is an entry in ClinVar:

NM_004006.3(DMD):c.2843T>A (p.Met948Lys)

Gene: DMD (dystrophin; minus strand). Cytogenetic location: Xp21.1.
Variant type: single nucleotide variant.
Coding change: c.2843T>A on transcript NM_004006.3 (MANE Select); coding-DNA position 2843, T replaced by A.
Protein change: p.Met948Lys; replaces methionine 948 with lysine.
Molecular consequence: missense variant.
Genome position (GRCh38, 1-based): chrX:32,472,270, A>T on the plus strand (T>A on the coding strand, the complement: DMD is on the minus strand). VCF-style: chrX-32472270-A-T. GRCh37 (hg19) VCF-style: chrX-32490387-A-T.
Other names: c.2819T>A, p.Met940Lys (NM_000109.4); c.2831T>A, p.Met944Lys (NM_004009.3); c.2474T>A, p.Met825Lys (NM_004010.3); short protein forms M825K, M948K, M944K, M940K.
Identifiers: ClinVar variation 3634847 (VCV003634847.2).
Genomic context (GRCh38, chrX:32,472,270, plus strand): 5'-CTAAGTTGAGGTATGGAGAGTTTGGTTTCTGACTGCTGGACCCATGTCCTGATGGCACTC[A>T]TGGTCTCCTGATAGCGCATTGGTGGCAAAGTGTCAAAAACTTTATCAAAAGGGAAAAAAG-3'
Protein context (NP_003997.2, residues 938-958): TLPPMRYQET[Met948Lys]SAIRTWVQQS

ClinVar aggregate classification (germline): Uncertain significance (1 of 4 stars; one submission).

Conditions:
Duchenne muscular dystrophy (DMD). Also called: MUSCULAR DYSTROPHY, PSEUDOHYPERTROPHIC PROGRESSIVE, DUCHENNE TYPE; Duchenne Muscular Dystrophy (DMD). Identifiers: Orphanet 98896, MedGen C0013264, MONDO:0010679, OMIM 310200.

gnomAD v4.1: 1 of 1,211,196 alleles (0.000083%); highest among the groups gnomAD compares: Non-Finnish European, 0.00011%; no homozygotes.

Submission:

Labcorp Genetics (formerly Invitae), Labcorp
Classification: Uncertain significance for Duchenne muscular dystrophy. Last evaluated: 2024-12-12. Review status: criteria provided, single submitter. Criteria: Invitae Variant Classification Sherloc (09022015). Collection method: clinical testing. Allele origin: germline.
Comment: This sequence change replaces methionine, which is neutral and non-polar, with lysine, which is basic and polar, at codon 948 of the DMD protein (p.Met948Lys). This variant is not present in population databases (gnomAD no frequency). This variant has not been reported in the literature in individuals affected with DMD-related conditions. Invitae Evidence Modeling of protein sequence and biophysical properties (such as structural, functional, and spatial information, amino acid conservation, physicochemical variation, residue mobility, and thermodynamic stability) indicates that this missense variant is not expected to disrupt DMD protein function with a negative predictive value of 95%. In summary, the available evidence is currently insufficient to determine the role of this variant in disease. Therefore, it has been classified as a Variant of Uncertain Significance.